The following is an entry in ClinVar:

NM_017837.4(PIGV):c.838G>T (p.Ala280Ser)

Gene: PIGV (phosphatidylinositol glycan anchor biosynthesis class V; plus strand). Cytogenetic location: 1p36.11.
Variant type: single nucleotide variant.
Coding change: c.838G>T on transcript NM_017837.4 (MANE Select); coding-DNA position 838, G replaced by T.
Protein change: p.Ala280Ser; replaces alanine 280 with serine.
Molecular consequence: missense variant. On other transcripts: non-coding transcript variant (1), intron variant (1).
Genome position (GRCh38, 1-based): chr1:26,794,872, G>T. VCF-style: chr1-26794872-G-T. GRCh37 (hg19) VCF-style: chr1-27121363-G-T.
Other names: c.838G>T, p.Ala280Ser (NM_001202554.2, NM_001374478.1, NM_001374480.1 and 2 more transcripts); c.457G>T, p.Ala153Ser (NM_001374483.1); c.211G>T, p.Ala71Ser (NM_001374484.1, NM_001374485.1); c.79-2691G>T (NM_001374486.1); short protein forms A71S, A153S, A280S.
Identifiers: ClinVar variation 2097196 (VCV002097196.4), dbSNP rs2522173566, ClinGen allele CA339200831.

ClinVar aggregate classification (germline): Uncertain significance (1 of 4 stars; one submission).

Allele frequency attached by ClinVar (database versions not stated): gnomAD exomes below 0.00001.
gnomAD v4.1: 2 of 1,614,184 alleles (0.00012%); highest among the groups gnomAD compares: East Asian, 0.0045%; no homozygotes.

Submission:

Labcorp Genetics (formerly Invitae), Labcorp
Classification: Uncertain significance. Last evaluated: 2022-08-16. Review status: criteria provided, single submitter. Criteria: Invitae Variant Classification Sherloc (09022015). Collection method: clinical testing. Allele origin: germline.
Comment: In summary, the available evidence is currently insufficient to determine the role of this variant in disease. Therefore, it has been classified as a Variant of Uncertain Significance. Algorithms developed to predict the effect of missense changes on protein structure and function are either unavailable or do not agree on the potential impact of this missense change (SIFT: "Tolerated"; PolyPhen-2: "Probably Damaging"; Align-GVGD: "Class C0"). This variant has not been reported in the literature in individuals affected with PIGV-related conditions. This variant is not present in population databases (gnomAD no frequency). This sequence change replaces alanine, which is neutral and non-polar, with serine, which is neutral and polar, at codon 280 of the PIGV protein (p.Ala280Ser).